The following is an entry in ClinVar:

ClinVar aggregate classification (germline): Uncertain significance (1 of 4 stars; one submission).

Conditions:
Perlman syndrome (PRLMNS). Identifiers: Orphanet 2849, MedGen C0796113, MONDO:0009965, OMIM 267000.

Allele frequency attached by ClinVar (database versions not stated): gnomAD exomes below 0.00001; TOPMed 0.00001.
gnomAD v4.1: 4 of 1,613,970 alleles (0.00025%); highest among the groups gnomAD compares: Admixed American, 0.0017%; no homozygotes.

Submission:

Labcorp Genetics (formerly Invitae), Labcorp
Classification: Uncertain significance for Perlman syndrome. Last evaluated: 2023-10-15. Review status: criteria provided, single submitter. Criteria: Invitae Variant Classification Sherloc (09022015). Collection method: clinical testing. Allele origin: germline.
Comment: This sequence change replaces glycine, which is neutral and non-polar, with serine, which is neutral and polar, at codon 249 of the DIS3L2 protein (p.Gly249Ser). This variant is not present in population databases (gnomAD no frequency). This variant has not been reported in the literature in individuals affected with DIS3L2-related conditions. ClinVar contains an entry for this variant (Variation ID: 944679). Advanced modeling of protein sequence and biophysical properties (such as structural, functional, and spatial information, amino acid conservation, physicochemical variation, residue mobility, and thermodynamic stability) performed at Invitae indicates that this missense variant is expected to disrupt DIS3L2 protein function. In summary, the available evidence is currently insufficient to determine the role of this variant in disease. Therefore, it has been classified as a Variant of Uncertain Significance.

NM_152383.5(DIS3L2):c.745G>A (p.Gly249Ser)

Gene: DIS3L2 (DIS3 like 3'-5' exoribonuclease 2; plus strand). Cytogenetic location: 2q37.1.
Variant type: single nucleotide variant.
Coding change: c.745G>A on transcript NM_152383.5 (MANE Select); coding-DNA position 745, G replaced by A.
Protein change: p.Gly249Ser; replaces glycine 249 with serine.
Molecular consequence: missense variant. On other transcripts: non-coding transcript variant (1).
Genome position (GRCh38, 1-based): chr2:232,136,514, G>A. VCF-style: chr2-232136514-G-A. GRCh37 (hg19) VCF-style: chr2-233001224-G-A.
Other names: c.745G>A, p.Gly249Ser (NM_001257281.2); short protein forms G249S.
Identifiers: ClinVar variation 944679 (VCV000944679.7), dbSNP rs985913473, ClinGen allele CA67512071.
Genomic context (GRCh38, chr2:232,136,514, plus strand): 5'-TATCTTTGGTGTTTTTAGGTGGTTTACATCTTGGAGAAAAAACATTCTCGAGCAGCAACC[G>A]GCTTCCTCAAACTCTTGGCTGATAAGAACAGCGAACTGTTTAGGAAATACGCCCTGTTTT-3'
Protein context (NP_689596.4, residues 239-259): LEKKHSRAAT[Gly249Ser]FLKLLADKNS